The following is an entry in ClinVar:

NM_000263.4(NAGLU):c.1490T>C (p.Leu497Pro)

Gene: NAGLU (N-acetyl-alpha-glucosaminidase; plus strand). Cytogenetic location: 17q21.2.
Variant type: single nucleotide variant.
Coding change: c.1490T>C on transcript NM_000263.4 (MANE Select); coding-DNA position 1490, T replaced by C.
Protein change: p.Leu497Pro; replaces leucine 497 with proline.
Molecular consequence: missense variant.
Genome position (GRCh38, 1-based): chr17:42,543,496, T>C. VCF-style: chr17-42543496-T-C. GRCh37 (hg19) VCF-style: chr17-40695514-T-C.
Other names: short protein forms L497P.
Identifiers: ClinVar variation 1381448 (VCV001381448.6), dbSNP rs2092927686, ClinGen allele CA399603985.
Genomic context (GRCh38, chr17:42,543,496, plus strand): 5'-GCTTTGCCGCCCGGCGGTATGGGGTCTCCCACCCGGACGCAGGGGCAGCGTGGAGGCTAC[T>C]GCTCCGGAGTGTGTACAACTGCTCCGGGGAGGCCTGCAGGGGCCACAATCGTAGCCCGCT-3'
Protein context (NP_000254.2, residues 487-507): HPDAGAAWRL[Leu497Pro]LRSVYNCSGE

ClinVar aggregate classification (germline): Uncertain significance (1 of 4 stars; one submission).

Conditions:
Charcot-Marie-Tooth disease axonal type 2V. Also called: CHARCOT-MARIE-TOOTH NEUROPATHY, TYPE 2V; CHARCOT-MARIE-TOOTH DISEASE, AXONAL, AUTOSOMAL DOMINANT, TYPE 2V. Identifiers: Orphanet 447964, MedGen C5569050, MONDO:0014665, OMIM 616491.
Mucopolysaccharidosis, MPS-III-B (MPS3B). Also called: MPS IIIB (Sanfilippo Syndrome Type B); N-ACETYL-ALPHA-D-GLUCOSAMINIDASE DEFICIENCY; NAGLU DEFICIENCY; MUCOPOLYSACCHARIDOSIS, TYPE IIIB; Mucopolysaccharidosis type IIIB (Sanfilippo B); SANFILIPPO SYNDROME B. Identifiers: Orphanet 79270, MedGen C0086648, MONDO:0009656, OMIM 252920.

Allele frequency attached by ClinVar (database versions not stated): TOPMed below 0.00001.

Submission:

Labcorp Genetics (formerly Invitae), Labcorp
Classification: Uncertain significance for Charcot-Marie-Tooth disease axonal type 2V; Mucopolysaccharidosis, MPS-III-B. Last evaluated: 2022-06-13. Review status: criteria provided, single submitter. Criteria: Invitae Variant Classification Sherloc (09022015). Collection method: clinical testing. Allele origin: germline.
Comment: This sequence change replaces leucine, which is neutral and non-polar, with proline, which is neutral and non-polar, at codon 497 of the NAGLU protein (p.Leu497Pro). In summary, the available evidence is currently insufficient to determine the role of this variant in disease. Therefore, it has been classified as a Variant of Uncertain Significance. Advanced modeling of protein sequence and biophysical properties (such as structural, functional, and spatial information, amino acid conservation, physicochemical variation, residue mobility, and thermodynamic stability) performed at Invitae indicates that this missense variant is expected to disrupt NAGLU protein function. This variant has not been reported in the literature in individuals affected with NAGLU-related conditions. This variant is not present in population databases (gnomAD no frequency).